The following is an entry in ClinVar:

NM_001374828.1(ARID1B):c.2085C>A (p.Pro695=)

Gene: ARID1B (AT-rich interaction domain 1B; plus strand). Cytogenetic location: 6q25.3.
Variant type: single nucleotide variant.
Coding change: c.2085C>A on transcript NM_001374828.1 (MANE Select); coding-DNA position 2085, C replaced by A.
Protein change: p.Pro695=; no amino-acid change (proline 695 retained).
Molecular consequence: synonymous variant.
Genome position (GRCh38, 1-based): chr6:156,901,474, C>A. VCF-style: chr6-156901474-C-A. GRCh37 (hg19) VCF-style: chr6-157222608-C-A.
Other names: c.2124C>A, p.Pro708= (NM_001371656.1, NM_001374820.1); c.2085C>A, p.Pro695= (NM_001438482.1, NM_001438483.1, NM_001438485.1 and 7 more transcripts).
Identifiers: ClinVar variation 4894619 (VCV004894619.2).

ClinVar aggregate classification (germline): Likely benign. Review status: criteria provided, multiple submitters, no conflicts (2 of 4 stars). 2 submissions from 2 submitters: Likely benign (2). Last evaluated 2026-07-01.

gnomAD v4.1: 46 of 1,613,992 alleles (0.0029%); highest among the groups gnomAD compares: Non-Finnish European, 0.0039%; no homozygotes.

Submissions (2):

CeGaT Center for Human Genetics Tuebingen
Classification: Likely benign. Last evaluated: 2026-07-01. Review status: criteria provided, single submitter. Criteria: CeGaT Center For Human Genetics Tuebingen Variant Classification Criteria Version 2. Collection method: clinical testing. Allele origin: germline. Affected: yes. Observed: 1 variant allele.
Comment: ARID1B: BP4, BP7

Blueprint Genetics
Classification: Likely benign. Last evaluated: 2023-12-18. Review status: criteria provided, single submitter. Criteria: ACMG Guidelines, 2015. Collection method: clinical testing. Allele origin: germline.